The following is an entry in ClinVar:

NM_002439.5(MSH3):c.793A>T (p.Ile265Phe)

Gene: MSH3 (mutS homolog 3; plus strand). Cytogenetic location: 5q14.1.
Variant type: single nucleotide variant.
Coding change: c.793A>T on transcript NM_002439.5 (MANE Select); coding-DNA position 793, A replaced by T.
Protein change: p.Ile265Phe; replaces isoleucine 265 with phenylalanine.
Molecular consequence: missense variant.
Genome position (GRCh38, 1-based): chr5:80,672,244, A>T. VCF-style: chr5-80672244-A-T. GRCh37 (hg19) VCF-style: chr5-79968063-A-T.
Other names: short protein forms I265F.
Identifiers: ClinVar variation 2134714 (VCV002134714.4), dbSNP rs2546722346, ClinGen allele CA360267051.

ClinVar aggregate classification (germline): Uncertain significance (1 of 4 stars; one submission).

Submission:

Labcorp Genetics (formerly Invitae), Labcorp
Classification: Uncertain significance. Last evaluated: 2022-05-06. Review status: criteria provided, single submitter. Criteria: Invitae Variant Classification Sherloc (09022015). Collection method: clinical testing. Allele origin: germline.
Comment: In summary, the available evidence is currently insufficient to determine the role of this variant in disease. Therefore, it has been classified as a Variant of Uncertain Significance. Algorithms developed to predict the effect of missense changes on protein structure and function are either unavailable or do not agree on the potential impact of this missense change (SIFT: "Deleterious"; PolyPhen-2: "Probably Damaging"; Align-GVGD: "Class C0"). This variant has not been reported in the literature in individuals affected with MSH3-related conditions. This variant is not present in population databases (gnomAD no frequency). This sequence change replaces isoleucine, which is neutral and non-polar, with phenylalanine, which is neutral and non-polar, at codon 265 of the MSH3 protein (p.Ile265Phe).